The following is an entry in ClinVar:

NM_004281.4(BAG3):c.775C>T (p.Pro259Ser)

Gene: BAG3 (BAG cochaperone 3; plus strand). Cytogenetic location: 10q26.11.
Variant type: single nucleotide variant.
Coding change: c.775C>T on transcript NM_004281.4 (MANE Select); coding-DNA position 775, C replaced by T.
Protein change: p.Pro259Ser; replaces proline 259 with serine.
Molecular consequence: missense variant.
Genome position (GRCh38, 1-based): chr10:119,672,522, C>T. VCF-style: chr10-119672522-C-T. GRCh37 (hg19) VCF-style: chr10-121432034-C-T.
Other names: c.775C>T (NM_004281.3); short protein forms P259S.
Identifiers: ClinVar variation 1236187 (VCV001236187.6), dbSNP rs375687199, ClinGen allele CA214221961.

ClinVar aggregate classification (germline): Uncertain significance. Review status: criteria provided, multiple submitters, no conflicts (2 of 4 stars). 3 submissions from 3 submitters: Uncertain significance (2). 1 of the submissions does not count toward it. Last evaluated 2024-11-21.

Conditions:
Cardiovascular phenotype. Identifiers: MedGen CN230736.
Dilated cardiomyopathy 1HH (CMD1HH). Identifiers: Orphanet 154, MedGen C3151293, MONDO:0013479, OMIM 613881.
Myofibrillar myopathy 6. Identifiers: Orphanet 199340, MedGen C2751831, MONDO:0013061, OMIM 612954.
Elevated circulating creatine kinase activity. Also called: Elevated circulating creatine kinase concentration; Elevated serum creatine phosphokinase; Elevated creatine kinase. Identifiers: MedGen C0241005, HP:0003236.

Allele frequency attached by ClinVar (database versions not stated): gnomAD exomes below 0.00001; gnomAD 0.00001; TOPMed 0.00003; ESP Exome Variant Server 0.00008.
gnomAD v4.1: 3 of 1,613,928 alleles (0.00019%); highest among the groups gnomAD compares: African/African-American, 0.0027%; no homozygotes.

Submissions (3):

Ambry Genetics
Classification: Uncertain significance for Cardiovascular phenotype. Last evaluated: 2024-11-21. Review status: criteria provided, single submitter. Criteria: Ambry Variant Classification Scheme 2023. Collection method: clinical testing. Allele origin: germline.
Comment: The p.P259S variant (also known as c.775C>T), located in coding exon 3 of the BAG3 gene, results from a C to T substitution at nucleotide position 775. The proline at codon 259 is replaced by serine, an amino acid with similar properties. This amino acid position is not well conserved in available vertebrate species. In addition, this alteration is predicted to be tolerated by in silico analysis. Based on the available evidence, the clinical significance of this variant remains unclear.

Labcorp Genetics (formerly Invitae), Labcorp
Classification: Uncertain significance for Dilated cardiomyopathy 1HH; Myofibrillar myopathy 6. Last evaluated: 2024-02-18. Review status: criteria provided, single submitter. Criteria: Invitae Variant Classification Sherloc (09022015). Collection method: clinical testing. Allele origin: germline.
Comment: This sequence change replaces proline, which is neutral and non-polar, with serine, which is neutral and polar, at codon 259 of the BAG3 protein (p.Pro259Ser). This variant is present in population databases (rs375687199, gnomAD 0.008%). This variant has not been reported in the literature in individuals affected with BAG3-related conditions. ClinVar contains an entry for this variant (Variation ID: 1236187). Advanced modeling of protein sequence and biophysical properties (such as structural, functional, and spatial information, amino acid conservation, physicochemical variation, residue mobility, and thermodynamic stability) performed at Invitae indicates that this missense variant is not expected to disrupt BAG3 protein function with a negative predictive value of 80%. In summary, the available evidence is currently insufficient to determine the role of this variant in disease. Therefore, it has been classified as a Variant of Uncertain Significance.

Institute of Human Genetics, University of Wuerzburg
Classification: Uncertain significance for Elevated circulating creatine kinase activity. Review status: no assertion criteria provided. Collection method: clinical testing. Allele origin: unknown. Not counted in ClinVar's aggregate classification.